The following is an entry in ClinVar:

ClinVar aggregate classification (germline): Uncertain significance (1 of 4 stars; one submission).

Conditions:
Hereditary cancer-predisposing syndrome. Also called: Tumor predisposition; Neoplastic Syndromes, Hereditary; Hereditary Cancer Syndrome; Hereditary neoplastic syndrome. Identifiers: Orphanet 140162, MedGen C0027672, MeSH D009386, MONDO:0015356.

gnomAD v4.1: 1 of 1,614,020 alleles (0.000062%); highest among the groups gnomAD compares: East Asian, 0.0022%; no homozygotes.

Submission:

Ambry Genetics
Classification: Uncertain significance for Hereditary cancer-predisposing syndrome. Last evaluated: 2024-10-12. Review status: criteria provided, single submitter. Criteria: Ambry Variant Classification Scheme 2023. Collection method: clinical testing. Allele origin: germline.
Comment: The p.T81I variant (also known as c.242C>T), located in coding exon 2 of the BLM gene, results from a C to T substitution at nucleotide position 242. The threonine at codon 81 is replaced by isoleucine, an amino acid with similar properties. This amino acid position is conserved. In addition, this alteration is predicted to be tolerated by in silico analysis. Based on the available evidence, the clinical significance of this variant remains unclear.

NM_000057.4(BLM):c.242C>T (p.Thr81Ile)

Gene: BLM (BLM RecQ like helicase; plus strand). Cytogenetic location: 15q26.1.
Variant type: single nucleotide variant.
Coding change: c.242C>T on transcript NM_000057.4 (MANE Select); coding-DNA position 242, C replaced by T.
Protein change: p.Thr81Ile; replaces threonine 81 with isoleucine.
Molecular consequence: missense variant. On other transcripts: 5 prime UTR variant (1).
Genome position (GRCh38, 1-based): chr15:90,749,510, C>T. VCF-style: chr15-90749510-C-T. GRCh37 (hg19) VCF-style: chr15-91292740-C-T.
Other names: c.242C>T, p.Thr81Ile (NM_001287246.2, NM_001287247.2); c.-1050C>T (NM_001287248.2); short protein forms T81I.
Identifiers: ClinVar variation 3480875 (VCV003480875.1).